The following is an entry in ClinVar:

NM_001365068.1(ASTN2):c.540C>T (p.Ser180=)

Gene: ASTN2 (astrotactin 2; minus strand). Cytogenetic location: 9q33.1.
Variant type: single nucleotide variant.
Coding change: c.540C>T on transcript NM_001365068.1 (MANE Select); coding-DNA position 540, C replaced by T.
Protein change: p.Ser180=; no amino-acid change (serine 180 retained).
Molecular consequence: synonymous variant.
Genome position (GRCh38, 1-based): chr9:117,291,416, G>A on the plus strand (C>T on the coding strand, the complement: ASTN2 is on the minus strand). VCF-style: chr9-117291416-G-A. GRCh37 (hg19) VCF-style: chr9-120053695-G-A.
Other names: c.540C>T, p.Ser180= (NM_001365069.1, NM_014010.5).
Identifiers: ClinVar variation 3042320 (VCV003042320.2), dbSNP rs2297697, ClinGen allele CA5212003.

ClinVar aggregate classification (germline): Benign (0 of 4 stars; one submission).

Conditions:
ASTN2-related disorder. Also called: ASTN2-related condition.

Allele frequency attached by ClinVar (database versions not stated): ESP Exome Variant Server 0.00431; gnomAD 0.01518; gnomAD exomes 0.01247; 1000 Genomes Project 30x 0.05434; TOPMed 0.01985; ExAC 0.02908; 1000 Genomes Project 0.05791.
gnomAD v4.1: 20,872 of 1,614,170 alleles (1.3%); highest among the groups gnomAD compares: East Asian, 19%; 1,256 homozygotes.

Submission:

PreventionGenetics, part of Exact Sciences
Classification: Benign for ASTN2-related condition. Last evaluated: 2019-07-01. Review status: no assertion criteria provided. Collection method: clinical testing. Allele origin: germline.
Comment: This variant is classified as benign based on ACMG/AMP sequence variant interpretation guidelines (Richards et al. 2015 PMID: 25741868, with internal and published modifications).